The following is an entry in ClinVar:

ClinVar aggregate classification (germline): Likely benign. Review status: criteria provided, single submitter (1 of 4 stars). 2 submissions from 2 submitters: Likely benign (1). 1 of the submissions does not count toward it. Last evaluated 2023-04-14.

Conditions:
SLC25A21-related disorder. Also called: SLC25A21-related condition.

Allele frequency attached by ClinVar (database versions not stated): 1000 Genomes Project 30x 0.00016; 1000 Genomes Project 0.00020.
gnomAD v4.1: 119 of 1,597,478 alleles (0.0074%); highest among the groups gnomAD compares: East Asian, 0.26%; no homozygotes.

Submissions (2):

Labcorp Genetics (formerly Invitae), Labcorp
Classification: Likely benign. Last evaluated: 2023-04-14. Review status: criteria provided, single submitter. Criteria: Invitae Variant Classification Sherloc (09022015). Collection method: clinical testing. Allele origin: germline.

PreventionGenetics, part of Exact Sciences
Classification: Likely benign for SLC25A21-related condition. Last evaluated: 2024-07-10. Review status: no assertion criteria provided. Collection method: clinical testing. Allele origin: germline. Not counted in ClinVar's aggregate classification.
Comment: This variant is classified as likely benign based on ACMG/AMP sequence variant interpretation guidelines (Richards et al. 2015 PMID: 25741868, with internal and published modifications).

NM_030631.4(SLC25A21):c.62G>C (p.Gly21Ala)

Genes: SLC25A21 (solute carrier family 25 member 21; minus strand), SLC25A21-AS1 (SLC25A21 antisense RNA 1; plus strand). Cytogenetic location: 14q13.3.
Variant type: single nucleotide variant.
Coding change: c.62G>C on transcript NM_030631.4 (MANE Select); coding-DNA position 62, G replaced by C.
Protein change: p.Gly21Ala; replaces glycine 21 with alanine.
Molecular consequence: missense variant. On other transcripts: non-coding transcript variant (1).
Genome position (GRCh38, 1-based): chr14:37,172,289, C>G on the plus strand (G>C on the coding strand, the complement: SLC25A21 is on the minus strand). VCF-style: chr14-37172289-C-G. GRCh37 (hg19) VCF-style: chr14-37641494-C-G.
Other names: c.62G>C (NM_030631.3); c.62G>C, p.Gly21Ala (NM_001171170.2); short protein forms G21A.
Identifiers: ClinVar variation 2751917 (VCV002751917.4), dbSNP rs200035848, ClinGen allele CA7159471.
Genomic context (GRCh38, chr14:37,172,289, plus strand): 5'-CGCGGTGGGGAAAGCGACTAGCCTCCGGCGGGGCAGGGCGGGCTGTCCTTACCTGCAGAA[C>G]CACCGGCCACGATCTGCCGAGAAGCCTCGCGCACTAAGCTGACTTCAGGCTTGGCGGACA-3'
Protein context (NP_085134.1, residues 11-31): REASRQIVAG[Gly21Ala]SAGLVEICLM